The following is an entry in ClinVar:

NM_130810.4(DNAAF4):c.784_893del (p.Trp262fs)

Genes: DNAAF4 (dynein axonemal assembly factor 4; minus strand), DNAAF4-CCPG1 (DNAAF4-CCPG1 readthrough (NMD candidate); minus strand). Cytogenetic location: 15q21.3.
Variant type: Deletion.
Coding change: c.784_893del on transcript NM_130810.4 (MANE Select); coding-DNA positions 784 to 893, 110 bases deleted.
Protein change: p.Trp262fs; shifts the reading frame from tryptophan 262.
Molecular consequence: frameshift variant. On other transcripts: non-coding transcript variant (1).
Genome position (GRCh38, 1-based): chr15:55,439,472-55,439,581, 110 bases deleted. GRCh37 (hg19): chr15:55,731,670-55,731,779.
Other names: c.784_893del, p.Trp262fs (NM_001033559.3, NM_001033560.2); short protein forms W262fs.
Identifiers: ClinVar variation 2500780 (VCV002500780.1), dbSNP rs2543406965, ClinGen allele CA2580089803.

ClinVar aggregate classification (germline): Pathogenic (1 of 4 stars; one submission).

Conditions:
Primary ciliary dyskinesia 25 (CILD25). Also called: CILIARY DYSKINESIA, PRIMARY, 25, WITH OR WITHOUT SITUS INVERSUS. Identifiers: Orphanet 244, MedGen C3809641, MONDO:0014203, OMIM 615482.

Submission:

Victorian Clinical Genetics Services, Murdoch Childrens Research Institute
Classification: Pathogenic for Primary ciliary dyskinesia 25. Last evaluated: 2020-10-12. Review status: criteria provided, single submitter. Criteria: ACMG Guidelines, 2015. Collection method: clinical testing. Allele origin: biparental. Affected: yes.
Comment: Evidence considered in support of pathogenic classification: - Variant is predicted to cause nonsense-mediated decay (NMD) and loss of protein (premature termination codon is located at least 54 nucleotides upstream of the final exon-exon junction). This variant causes the deletion of exon 7, likely resulting in a frameshift and a premature termination codon. - Variant is absent from gnomAD (both v2 and v3). - This variant has strong previous evidence of pathogenicity in unrelated individuals. This variant has been reported in multiple families, in both homozygous and compound heterozygous patients with primary cilia dyskinesia (PMID: 23872636). - This variant has moderate evidence for segregation with disease. This variant was reported in two families with primary ciliary dyskinesia (PMID: 23872636). - Strong phenotype match for this individual. Additional information: - Loss of function is a known mechanism of disease in this gene and is associated with primary ciliary dyskinesia, 25 (MIM#615482). - This gene is associated with autosomal recessive disease. - This variant is homozygous.